The following is an entry in ClinVar:

ClinVar aggregate classification (germline): Conflicting classifications of pathogenicity. Review status: criteria provided, conflicting classifications (1 of 4 stars). 2 submissions from 2 submitters: Uncertain significance (1); Likely benign (1). Last evaluated 2025-03-01.

Allele frequency attached by ClinVar (database versions not stated): ESP Exome Variant Server 0.00023; TOPMed 0.00029; gnomAD 0.00043 and 0.00045; gnomAD exomes 0.00045 and 0.00050; ExAC 0.00049.
gnomAD v4.1: 704 of 1,614,030 alleles (0.044%); highest among the groups gnomAD compares: Non-Finnish European, 0.049%; 1 homozygote.

Submissions (2):

CeGaT Center for Human Genetics Tuebingen
Classification: Likely benign. Last evaluated: 2025-03-01. Review status: criteria provided, single submitter. Criteria: CeGaT Center For Human Genetics Tuebingen Variant Classification Criteria Version 2. Collection method: clinical testing. Allele origin: germline. Affected: yes. Observed: 3 variant alleles.
Comment: SLC9A9: BP4

Ambry Genetics
Classification: Uncertain significance. Last evaluated: 2022-05-11. Review status: criteria provided, single submitter. Criteria: Ambry Variant Classification Scheme 2023. Collection method: clinical testing. Allele origin: germline.

NM_173653.4(SLC9A9):c.1808C>A (p.Ala603Glu)

Gene: SLC9A9 (solute carrier family 9 member A9; minus strand). Cytogenetic location: 3q24.
Variant type: single nucleotide variant.
Coding change: c.1808C>A on transcript NM_173653.4 (MANE Select); coding-DNA position 1808, C replaced by A.
Protein change: p.Ala603Glu; replaces alanine 603 with glutamic acid.
Molecular consequence: missense variant.
Genome position (GRCh38, 1-based): chr3:143,266,832, G>T on the plus strand (C>A on the coding strand, the complement: SLC9A9 is on the minus strand). VCF-style: chr3-143266832-G-T. GRCh37 (hg19) VCF-style: chr3-142985674-G-T.
Other names: c.1808C>A (NM_173653.3); short protein forms A603E.
Identifiers: ClinVar variation 1013232 (VCV001013232.40), dbSNP rs144779737, ClinGen allele CA2653665.